The following is an entry in ClinVar:

NM_001003800.2(BICD2):c.1903C>G (p.Arg635Gly)

Gene: BICD2 (BICD cargo adaptor 2; minus strand). Cytogenetic location: 9q22.31.
Variant type: single nucleotide variant.
Coding change: c.1903C>G on transcript NM_001003800.2 (MANE Select); coding-DNA position 1903, C replaced by G.
Protein change: p.Arg635Gly; replaces arginine 635 with glycine.
Molecular consequence: missense variant.
Genome position (GRCh38, 1-based): chr9:92,718,742, G>C on the plus strand (C>G on the coding strand, the complement: BICD2 is on the minus strand). VCF-style: chr9-92718742-G-C. GRCh37 (hg19) VCF-style: chr9-95481024-G-C.
Other names: c.1903C>G, p.Arg635Gly (NM_015250.4); short protein forms R635G.
Identifiers: ClinVar variation 2986896 (VCV002986896.3), dbSNP rs750918663, ClinGen allele CA374034998.

ClinVar aggregate classification (germline): Uncertain significance (1 of 4 stars; one submission).

Conditions:
Autosomal dominant childhood-onset proximal spinal muscular atrophy with contractures (SMALED2A). Also called: SPINAL MUSCULAR ATROPHY, LOWER EXTREMITY-PREDOMINANT, 2A, CHILDHOOD ONSET, AUTOSOMAL DOMINANT; Spinal muscular atrophy, lower extremity-predominant, 2A, autosomal dominant. Identifiers: Orphanet 363447, Orphanet 363454, MedGen C4747715, MONDO:0014121, OMIM 615290.

Allele frequency attached by ClinVar (database versions not stated): TOPMed below 0.00001.

Submission:

Labcorp Genetics (formerly Invitae), Labcorp
Classification: Uncertain significance for Autosomal dominant childhood-onset proximal spinal muscular atrophy with contractures. Last evaluated: 2025-09-02. Review status: criteria provided, single submitter. Criteria: Invitae Variant Classification Sherloc (09022015). Collection method: clinical testing. Allele origin: germline.
Comment: This sequence change replaces arginine, which is basic and polar, with glycine, which is neutral and non-polar, at codon 635 of the BICD2 protein (p.Arg635Gly). This variant is not present in population databases (gnomAD no frequency). This variant has not been reported in the literature in individuals affected with BICD2-related conditions. ClinVar contains an entry for this variant (Variation ID: 2986896). Invitae Evidence Modeling of protein sequence and biophysical properties (such as structural, functional, and spatial information, amino acid conservation, physicochemical variation, residue mobility, and thermodynamic stability) has been performed for this missense variant. However, the output from this modeling did not meet the statistical confidence thresholds required to predict the impact of this variant on BICD2 protein function. In summary, the available evidence is currently insufficient to determine the role of this variant in disease. Therefore, it has been classified as a Variant of Uncertain Significance.